The following is an entry in ClinVar:

NM_013432.5(TONSL):c.2257G>A (p.Ala753Thr)

Genes: TONSL (tonsoku like, DNA repair protein; minus strand), TONSL-AS1 (TONSL antisense RNA 1; plus strand). Cytogenetic location: 8q24.3.
Variant type: single nucleotide variant.
Coding change: c.2257G>A on transcript NM_013432.5 (MANE Select); coding-DNA position 2257, G replaced by A.
Protein change: p.Ala753Thr; replaces alanine 753 with threonine.
Molecular consequence: missense variant.
Genome position (GRCh38, 1-based): chr8:144,436,176, C>T on the plus strand (G>A on the coding strand, the complement: TONSL is on the minus strand). VCF-style: chr8-144436176-C-T. GRCh37 (hg19) VCF-style: chr8-145661559-C-T.
Other names: short protein forms A753T.
Identifiers: ClinVar variation 1477827 (VCV001477827.3), dbSNP rs777329346, ClinGen allele CA4942878.
Genomic context (GRCh38, chr8:144,436,176, plus strand): 5'-TCCAGGCTGCCACCCGTTGTGCTGTGGCCGAGCACCGAGGCCTCTTCTGGGACGGCCGTG[C>T]GGGGCCTGCGCTGTCCTCGCCTTCTGAGCTGCTGCTGCTGCTGGCTGGCCCATGCCTGCT-3'
Protein context (NP_038460.4, residues 743-763): SSEGEDSAGP[Ala753Thr]RPSQKRPRCS

ClinVar aggregate classification (germline): Uncertain significance (1 of 4 stars; one submission).

Allele frequency attached by ClinVar (database versions not stated): gnomAD exomes 0.00003; ExAC 0.00007; gnomAD 0.00009; TOPMed 0.00011.

Submission:

Labcorp Genetics (formerly Invitae), Labcorp
Classification: Uncertain significance. Last evaluated: 2022-07-26. Review status: criteria provided, single submitter. Criteria: Invitae Variant Classification Sherloc (09022015). Collection method: clinical testing. Allele origin: germline.
Comment: This sequence change replaces alanine, which is neutral and non-polar, with threonine, which is neutral and polar, at codon 753 of the TONSL protein (p.Ala753Thr). The frequency data for this variant in the population databases is considered unreliable, as metrics indicate poor data quality at this position in the gnomAD database. This variant has not been reported in the literature in individuals affected with TONSL-related conditions. ClinVar contains an entry for this variant (Variation ID: 1477827). Algorithms developed to predict the effect of missense changes on protein structure and function (SIFT, PolyPhen-2, Align-GVGD) all suggest that this variant is likely to be tolerated. In summary, the available evidence is currently insufficient to determine the role of this variant in disease. Therefore, it has been classified as a Variant of Uncertain Significance.